The following is an entry in ClinVar:

ClinVar aggregate classification (germline): Conflicting classifications of pathogenicity. Review status: criteria provided, conflicting classifications (1 of 4 stars). 9 submissions from 9 submitters: Uncertain significance (2); Benign (1); Likely benign (6). Last evaluated 2026-04-24.

Conditions:
MYO15A-related disorder. Also called: MYO15A-related condition.
Autosomal recessive nonsyndromic hearing loss 3. Also called: NEUROSENSORY NONSYNDROMIC RECESSIVE DEAFNESS 3. Identifiers: Orphanet 90636, MedGen C1838263, MONDO:0010860, OMIM 600316.

Allele frequency attached by ClinVar (database versions not stated): 1000 Genomes Project 30x 0.00031; 1000 Genomes Project 0.00040; ESP Exome Variant Server 0.00060; gnomAD 0.00063; TOPMed 0.00069; gnomAD exomes 0.00079 and 0.00104.
gnomAD v4.1: 1,252 of 1,590,804 alleles (0.079%); highest among the groups gnomAD compares: Middle Eastern, 0.48%; 2 homozygotes.

Submissions (9):

Women's Health and Genetics/Laboratory Corporation of America, LabCorp
Classification: Likely benign. Last evaluated: 2026-04-24. Review status: criteria provided, single submitter. Criteria: LabCorp Variant Classification Summary - May 2015. Collection method: clinical testing. Allele origin: germline.
Comment: Variant summary: MYO15A c.1634C>T (p.Ala545Val) results in a non-conservative amino acid change in the encoded protein sequence. Algorithms developed to predict the effect of missense changes on protein structure and function are either unavailable or do not agree on the potential impact of this missense change. The variant allele was found at a frequency of 0.001 in 205776 control chromosomes, predominantly at a frequency of 0.0076 within the Ashkenazi Jewish subpopulation in the gnomAD database. The observed variant frequency within Ashkenazi Jewish control individuals in the gnomAD database exceeds the estimated maximal expected allele frequency for disease-causing variants in MYO15A. c.1634C>T has been observed in individuals affected with Autosomal Recessive Nonsyndromic Hearing Loss (e.g. Sloan-Heggen_2016, Morgan_2018, Jalkh_2019). However, these reports do not provide unequivocal conclusions about association of the variant with Autosomal Recessive Nonsyndromic Hearing Loss 3. To our knowledge, no experimental evidence demonstrating an impact on protein function has been reported. The following publications have been ascertained in the context of this evaluation (PMID: 30622556, 26969326, 30665423). ClinVar contains an entry for this variant (Variation ID: 322120). Based on the evidence outlined above, the variant was classified as likely benign.

PreventionGenetics, part of Exact Sciences
Classification: Likely benign for MYO15A-related condition. Last evaluated: 2026-02-27. Review status: criteria provided, single submitter. Criteria: ACMG Guidelines, 2015. Collection method: clinical testing. Allele origin: germline.
Comment: This variant is classified as likely benign based on ACMG/AMP sequence variant interpretation guidelines (Richards et al. 2015 PMID: 25741868, with internal and published modifications).

Labcorp Genetics (formerly Invitae), Labcorp
Classification: Benign. Last evaluated: 2026-01-28. Review status: criteria provided, single submitter. Criteria: Invitae Variant Classification Sherloc (09022015). Collection method: clinical testing. Allele origin: germline.

CeGaT Center for Human Genetics Tuebingen
Classification: Likely benign. Last evaluated: 2025-06-01. Review status: criteria provided, single submitter. Criteria: CeGaT Center For Human Genetics Tuebingen Variant Classification Criteria Version 2. Collection method: clinical testing. Allele origin: germline. Affected: yes. Observed: 1 variant allele.
Comment: MYO15A: PP3, BS2

Blueprint Genetics
Classification: Likely benign. Last evaluated: 2024-11-08. Review status: criteria provided, single submitter. Criteria: ACMG Guidelines, 2015. Collection method: clinical testing. Allele origin: germline.

Baylor Genetics
Classification: Uncertain significance for Autosomal recessive nonsyndromic hearing loss 3. Last evaluated: 2022-07-05. Review status: criteria provided, single submitter. Criteria: ACMG Guidelines, 2015. Collection method: clinical testing. Allele origin: unknown.

GeneDx
Classification: Likely benign. Last evaluated: 2020-07-24. Review status: criteria provided, single submitter. Criteria: GeneDx Variant Classification Process June 2021. Collection method: clinical testing. Allele origin: germline. Affected: yes.
Comment: This variant is associated with the following publications: (PMID: 30622556, 27375115, 26969326)

Laboratory for Molecular Medicine, Mass General Brigham Personalized Medicine
Classification: Likely benign. Last evaluated: 2019-02-19. Review status: criteria provided, single submitter. Criteria: LMM Criteria. Collection method: clinical testing. Allele origin: germline. Observed: 1 variant allele.
Comment: The p.Ala545Val variant in MYO15A is classified as likely benign because it has been identified in 0.77% (72/9384) of Ashkenazi Jewish chromosomes and 0.07% (76/105824) of European chromosomes by gnomAD. ACMG/AMP criteria applied: BS1.

Illumina Laboratory Services, Illumina
Classification: Uncertain significance for Autosomal recessive nonsyndromic hearing loss 3. Last evaluated: 2018-01-12. Review status: criteria provided, single submitter. Criteria: ICSL Variant Classification Criteria 13 December 2019. Collection method: clinical testing. Allele origin: germline.

Literature cited by the submitters: PubMed 26969326 (cited by Women's Health and Genetics/Laboratory Corporation of America, LabCorp and Laboratory for Molecular Medicine, Mass General Brigham Personalized Medicine); PubMed 30665423 (cited by Women's Health and Genetics/Laboratory Corporation of America, LabCorp); PubMed 30622556 (cited by Women's Health and Genetics/Laboratory Corporation of America, LabCorp); PubMed 27375115 (cited by Laboratory for Molecular Medicine, Mass General Brigham Personalized Medicine).

NM_016239.4(MYO15A):c.1634C>T (p.Ala545Val)

Gene: MYO15A (myosin XVA; plus strand). Cytogenetic location: 17p11.2.
Variant type: single nucleotide variant.
Coding change: c.1634C>T on transcript NM_016239.4 (MANE Select); coding-DNA position 1634, C replaced by T.
Protein change: p.Ala545Val; replaces alanine 545 with valine.
Molecular consequence: missense variant.
Genome position (GRCh38, 1-based): chr17:18,120,434, C>T. VCF-style: chr17-18120434-C-T. GRCh37 (hg19) VCF-style: chr17-18023748-C-T.
Other names: short protein forms A545V.
Identifiers: ClinVar variation 322120 (VCV000322120.33), dbSNP rs199740747, ClinGen allele CA8423144.